The following is an entry in ClinVar:

ClinVar aggregate classification (germline): Pathogenic/Likely pathogenic. Review status: criteria provided, multiple submitters, no conflicts (2 of 4 stars). 4 submissions from 4 submitters: Pathogenic (1); Likely pathogenic (3). Last evaluated 2025-11-03.

Conditions:
Meckel-Gruber syndrome. Also called: Dysencephalia splachnocystica; DYSENCEPHALIA SPLANCHNOCYSTICA; GRUBER SYNDROME. Identifiers: Orphanet 564, MedGen C0265215, MONDO:0018921.
Joubert syndrome. Also called: Familial aplasia of the vermis; CEREBELLOPARENCHYMAL DISORDER IV; JOUBERT-BOLTSHAUSER SYNDROME. Identifiers: Orphanet 475, MedGen C5979921, MONDO:0018772.
Bardet-Biedl syndrome 13 (BBS13). Identifiers: Orphanet 110, MedGen C2673873, MONDO:0014441, OMIM 615990.
Meckel syndrome, type 1 (MKS1). Also called: MECKEL-GRUBER SYNDROME, TYPE 1. Identifiers: Orphanet 564, MedGen C3714506, MONDO:0009571, OMIM 249000.
Joubert syndrome 28 (JBTS28). Identifiers: MedGen C4310705, MONDO:0014928, OMIM 617121.

Allele frequency attached by ClinVar (database versions not stated): gnomAD exomes below 0.00001 and 0.00001; ExAC 0.00001.

Submissions (4):

Natera, Inc.
Classification: Likely pathogenic for Meckel syndrome type 1. Last evaluated: 2025-11-03. Review status: criteria provided, single submitter. Criteria: Natera Variant Classification Schema (03/2026). Collection method: clinical testing. Allele origin: germline.
Comment: The c.1222C>T variant in MKS1 is a nonsense variant predicted to introduce a stop codon at amino acid 408. This variant is expected to result in nonsense mediated decay, truncation, or a dysfunctional protein product. This variant is rare in the general population with a frequency below the threshold expected for the associated phenotype(s). Given the available evidence, this variant is classified as Likely Pathogenic.

Baylor Genetics
Classification: Likely pathogenic for Bardet-Biedl syndrome 13. Last evaluated: 2024-03-04. Review status: criteria provided, single submitter. Criteria: ACMG Guidelines, 2015. Collection method: clinical testing. Allele origin: unknown.

Labcorp Genetics (formerly Invitae), Labcorp
Classification: Pathogenic for Joubert syndrome; Meckel-Gruber syndrome. Last evaluated: 2024-02-26. Review status: criteria provided, single submitter. Criteria: Invitae Variant Classification Sherloc (09022015). Collection method: clinical testing. Allele origin: germline.
Comment: This sequence change creates a premature translational stop signal (p.Gln408*) in the MKS1 gene. It is expected to result in an absent or disrupted protein product. Loss-of-function variants in MKS1 are known to be pathogenic (PMID: 19466712, 24886560, 26490104). This variant is present in population databases (rs781423785, gnomAD 0.0009%). This variant has not been reported in the literature in individuals affected with MKS1-related conditions. ClinVar contains an entry for this variant (Variation ID: 948407). For these reasons, this variant has been classified as Pathogenic.

Fulgent Genetics
Classification: Likely pathogenic for Meckel syndrome, type 1; Bardet-Biedl syndrome 13; Joubert syndrome 28. Last evaluated: 2022-03-18. Review status: criteria provided, single submitter. Criteria: ACMG Guidelines, 2015. Collection method: clinical testing. Allele origin: unknown.

Literature cited by the submitters: PubMed 19466712 (cited by Labcorp Genetics (formerly Invitae), Labcorp); PubMed 24886560 (cited by Labcorp Genetics (formerly Invitae), Labcorp); PubMed 26490104 (cited by Labcorp Genetics (formerly Invitae), Labcorp).

NM_017777.4(MKS1):c.1222C>T (p.Gln408Ter)

Gene: MKS1 (MKS transition zone complex subunit 1; minus strand). Cytogenetic location: 17q22.
Variant type: single nucleotide variant.
Coding change: c.1222C>T on transcript NM_017777.4 (MANE Select); coding-DNA position 1222, C replaced by T.
Protein change: p.Gln408Ter; replaces glutamine 408 with a stop codon.
Molecular consequence: nonsense.
Genome position (GRCh38, 1-based): chr17:58,207,945, G>A on the plus strand (C>T on the coding strand, the complement: MKS1 is on the minus strand). VCF-style: chr17-58207945-G-A. GRCh37 (hg19) VCF-style: chr17-56285306-G-A.
Other names: c.613C>T, p.Gln205Ter (NM_001321268.2); c.1222C>T, p.Gln408Ter (NM_001321269.2, NM_001330397.2); short protein forms Q408*, Q205*.
Identifiers: ClinVar variation 948407 (VCV000948407.11), dbSNP rs781423785, ClinGen allele CA8669228.
Genomic context (GRCh38, chr17:58,207,945, plus strand): 5'-AGCGGTTACCTGGAGTGGCAGGCAGCACCACAGCCCCATAGCCTTCCACACGGTACCTCT[G>A]CCAGAAGTCCAGCGAGAGGACCTCACAGTAGAGCACAGGCCACTCCGGGAGTGCATCTGG-3'